The following is an entry in ClinVar:

NM_000368.5(TSC1):c.2066G>C (p.Arg689Pro)

Gene: TSC1 (TSC complex subunit 1; minus strand). Cytogenetic location: 9q34.13.
Variant type: single nucleotide variant.
Coding change: c.2066G>C on transcript NM_000368.5 (MANE Select); coding-DNA position 2066, G replaced by C.
Protein change: p.Arg689Pro; replaces arginine 689 with proline.
Molecular consequence: missense variant.
Genome position (GRCh38, 1-based): chr9:132,903,793, C>G on the plus strand (G>C on the coding strand, the complement: TSC1 is on the minus strand). VCF-style: chr9-132903793-C-G. GRCh37 (hg19) VCF-style: chr9-135779180-C-G.
Other names: c.2063G>C, p.Arg688Pro (NM_001162426.2); c.1913G>C, p.Arg638Pro (NM_001162427.2); c.1703G>C, p.Arg568Pro (NM_001362177.2); short protein forms R638P, R568P, R688P, R689P.
Identifiers: ClinVar variation 820641 (VCV000820641.15), dbSNP rs200827913, ClinGen allele CA375361122.

ClinVar aggregate classification (germline): Uncertain significance. Review status: criteria provided, multiple submitters, no conflicts (2 of 4 stars). 4 submissions from 4 submitters: Uncertain significance (4). Last evaluated 2025-07-22.

Conditions:
Isolated focal cortical dysplasia type II (FCORD2). Also called: Focal cortical dysplasia type II; CORTICAL DYSPLASIA OF TAYLOR. Identifiers: Orphanet 268994, MedGen C1846385, MONDO:0011818, OMIM 607341, HP:0032051.
Tuberous sclerosis 1 (TSC1). Identifiers: Orphanet 805, MedGen C1854465, MONDO:0008612, OMIM 191100.
Hereditary cancer-predisposing syndrome. Also called: Hereditary Cancer Syndrome; Neoplastic Syndromes, Hereditary; Hereditary neoplastic syndrome; Tumor predisposition. Identifiers: Orphanet 140162, MedGen C0027672, MeSH D009386, MONDO:0015356.

Submissions (4):

Labcorp Genetics (formerly Invitae), Labcorp
Classification: Uncertain significance for Tuberous sclerosis 1. Last evaluated: 2025-07-22. Review status: criteria provided, single submitter. Criteria: Invitae Variant Classification Sherloc (09022015). Collection method: clinical testing. Allele origin: germline.
Comment: This sequence change replaces arginine, which is basic and polar, with proline, which is neutral and non-polar, at codon 689 of the TSC1 protein (p.Arg689Pro). This variant is not present in population databases (gnomAD no frequency). This variant has not been reported in the literature in individuals affected with TSC1-related conditions. ClinVar contains an entry for this variant (Variation ID: 820641). Invitae Evidence Modeling of protein sequence and biophysical properties (such as structural, functional, and spatial information, amino acid conservation, physicochemical variation, residue mobility, and thermodynamic stability) indicates that this missense variant is not expected to disrupt TSC1 protein function with a negative predictive value of 95%. In summary, the available evidence is currently insufficient to determine the role of this variant in disease. Therefore, it has been classified as a Variant of Uncertain Significance.

Ambry Genetics
Classification: Uncertain significance for Hereditary cancer-predisposing syndrome. Last evaluated: 2025-03-14. Review status: criteria provided, single submitter. Criteria: Ambry Variant Classification Scheme 2023. Collection method: clinical testing. Allele origin: germline.
Comment: The p.R689P variant (also known as c.2066G>C), located in coding exon 15 of the TSC1 gene, results from a G to C substitution at nucleotide position 2066. The arginine at codon 689 is replaced by proline, an amino acid with dissimilar properties. This amino acid position is poorly conserved in available vertebrate species. In addition, the in silico prediction for this alteration is inconclusive. Since supporting evidence is limited at this time, the clinical significance of this alteration remains unclear.

Baylor Genetics
Classification: Uncertain significance for Isolated focal cortical dysplasia type II. Last evaluated: 2023-12-22. Review status: criteria provided, single submitter. Criteria: ACMG Guidelines, 2015. Collection method: clinical testing. Allele origin: unknown.

Genome-Nilou Lab
Classification: Uncertain significance for Tuberous sclerosis 1. Last evaluated: 2021-11-07. Review status: criteria provided, single submitter. Criteria: ACMG Guidelines, 2015. Collection method: clinical testing. Allele origin: germline. Affected: no.